The following is an entry in ClinVar:

NM_004937.3(CTNS):c.329+1G>A

Genes: CTNS (cystinosin, lysosomal cystine transporter; plus strand), CTNS-AS1 (CTNS antisense RNA 1; minus strand). Cytogenetic location: 17p13.2.
Variant type: single nucleotide variant.
Coding change: c.329+1G>A on transcript NM_004937.3 (MANE Select); the canonical splice donor site of the intron after coding-DNA position 329, G replaced by A.
Molecular consequence: splice donor variant.
Genome position (GRCh38, 1-based): chr17:3,655,102, G>A. VCF-style: chr17-3655102-G-A. GRCh37 (hg19) VCF-style: chr17-3558396-G-A.
Other names: c.329+1G>A (NM_001031681.3, NM_001374492.1); c.-113+1G>A (NM_001374493.1, NM_001374495.1, NM_001374494.1 and 1 more transcripts).
Identifiers: ClinVar variation 3751201 (VCV003751201.2).

ClinVar aggregate classification (germline): Pathogenic (1 of 4 stars; one submission).

Conditions:
Inborn genetic diseases. Identifiers: MedGen C0950123, MeSH D030342.
Ocular cystinosis. Also called: Non-Nephropathic Cystinosis; Non-Nephropathic (Ocular) Cystinosis. Identifiers: Orphanet 213, Orphanet 411641, MedGen C2931013, MONDO:0009064, OMIM 219750.
Juvenile nephropathic cystinosis. Also called: Intermediate Cystinosis; CYSTINOSIS, LATE-ONSET JUVENILE OR ADOLESCENT NEPHROPATHIC TYPE; Later-Onset (Juvenile) Cystinosis. Identifiers: Orphanet 213, Orphanet 411634, MedGen C0268626, MONDO:0009066, OMIM 219900.

gnomAD v4.1: 7 of 1,613,944 alleles (0.00043%); highest among the groups gnomAD compares: Non-Finnish European, 0.00059%; no homozygotes.

Submission:

Labcorp Genetics (formerly Invitae), Labcorp
Classification: Pathogenic for Inborn genetic diseases; Ocular cystinosis; Juvenile nephropathic cystinosis. Last evaluated: 2024-12-24. Review status: criteria provided, single submitter. Criteria: Invitae Variant Classification Sherloc (09022015). Collection method: clinical testing. Allele origin: germline.
Comment: This sequence change affects a donor splice site in intron 6 of the CTNS gene. RNA analysis indicates that disruption of this splice site induces altered splicing and may result in an absent or altered protein product. This variant is not present in population databases (gnomAD no frequency). Disruption of this splice site has been observed in individual(s) with cystinosis (PMID: 25866837). Studies have shown that disruption of this splice site results in skipping of exon 6, and produces a non-functional protein and/or introduces a premature termination codon (PMID: 28950840). For these reasons, this variant has been classified as Pathogenic.

Literature cited by the submitters: PubMed 25866837; PubMed 28950840.